The following is an entry in ClinVar:

NM_002246.3(KCNK3):c.289G>A (p.Gly97Arg)

Gene: KCNK3 (potassium two pore domain channel subfamily K member 3; plus strand). Cytogenetic location: 2p23.3.
Variant type: single nucleotide variant.
Coding change: c.289G>A on transcript NM_002246.3 (MANE Select); coding-DNA position 289, G replaced by A.
Protein change: p.Gly97Arg; replaces glycine 97 with arginine.
Molecular consequence: missense variant.
Genome position (GRCh38, 1-based): chr2:26,727,672, G>A. VCF-style: chr2-26727672-G-A. GRCh37 (hg19) VCF-style: chr2-26950540-G-A.
Other names: short protein forms G97R.
Identifiers: ClinVar variation 60480 (VCV000060480.3), dbSNP rs398123040, ClinGen allele CA211300.

ClinVar aggregate classification (germline): Conflicting classifications of pathogenicity. Review status: no assertion criteria provided (0 of 4 stars). 2 submissions from 2 submitters: Pathogenic (1); Uncertain significance (1). Last evaluated 2023-12-14.

Conditions:
KCNK3-related disorder. Also called: KCNK3-related condition.
Pulmonary hypertension, primary, 4. Identifiers: Orphanet 422, MedGen C3809198, MONDO:0014136, OMIM 615344.

Submissions (2):

PreventionGenetics, part of Exact Sciences
Classification: Uncertain significance for KCNK3-related condition. Last evaluated: 2023-12-14. Review status: no assertion criteria provided. Collection method: clinical testing. Allele origin: germline.
Comment: The KCNK3 c.289G>A variant is predicted to result in the amino acid substitution p.Gly97Arg. This variant has been reported in a family with pulmonary arterial hypertension (Ma et al. 2013. PubMed ID: 23883380). The variant was present in the affected proband, the proband’s unaffected mother, and affected maternal aunt (Ma et al. 2013. PubMed ID: 23883380). Functional studies demonstrate this variant results in a loss of KCNK3 channel function (Bohnen et al. 2017. PubMed ID: 28889099; Le Ribeuz et al. 2020. PubMed ID: 32882918). This variant has not been reported in a large population database, indicating this variant is rare. Although we suspect that this variant may be pathogenic, at this time, the clinical significance of this variant is uncertain due to the absence of conclusive functional and genetic evidence.

OMIM
Classification: Pathogenic for PULMONARY HYPERTENSION, PRIMARY, 4. Last evaluated: 2013-07-25. Review status: no assertion criteria provided. Collection method: literature only. Allele origin: germline.

Literature cited by the submitters: PubMed 23883380 (cited by OMIM).